The following is an entry in ClinVar:

ClinVar aggregate classification (germline): Likely pathogenic (1 of 4 stars; one submission).

Conditions:
Inborn genetic diseases. Identifiers: MedGen C0950123, MeSH D030342.

Allele frequency attached by ClinVar (database versions not stated): gnomAD exomes below 0.00001; ExAC 0.00001; TOPMed 0.00001.

Submission:

Ambry Genetics
Classification: Likely pathogenic for Inborn genetic diseases. Last evaluated: 2022-03-10. Review status: criteria provided, single submitter. Criteria: Ambry Variant Classification Scheme 2023. Collection method: clinical testing. Allele origin: germline.
Comment: The c.880C>T (p.R294*) alteration, located in exon 2 (coding exon 1) of the POMGNT2 gene, consists of a C to T substitution at nucleotide position 880. This changes the amino acid from an arginine (R) to a stop codon at amino acid position 294. Premature stop codons are typically deleterious in nature; however, because POMGNT2 is a single-exon gene this alteration is not expected to trigger nonsense-mediated mRNA decay and a truncated protein could still be expressed (Maquat, 2004). This alteration removes the last 287 amino acids (49%) of the protein including a majority of the glycosyltransferase domain. Based on data from gnomAD, the T allele has an overall frequency of <0.01% (2/251334) total alleles studied. The highest observed frequency was <0.01% (2/113638) of European (non-Finnish) alleles. Based on the available evidence, this alteration is classified as likely pathogenic.

NM_032806.6(POMGNT2):c.880C>T (p.Arg294Ter)

Gene: POMGNT2 (protein O-linked mannose N-acetylglucosaminyltransferase 2 (beta 1,4-); minus strand). Cytogenetic location: 3p22.1.
Variant type: single nucleotide variant.
Coding change: c.880C>T on transcript NM_032806.6 (MANE Select); coding-DNA position 880, C replaced by T.
Protein change: p.Arg294Ter; replaces arginine 294 with a stop codon.
Molecular consequence: nonsense.
Genome position (GRCh38, 1-based): chr3:43,080,552, G>A on the plus strand (C>T on the coding strand, the complement: POMGNT2 is on the minus strand). VCF-style: chr3-43080552-G-A. GRCh37 (hg19) VCF-style: chr3-43122044-G-A.
Other names: short protein forms R294*.
Identifiers: ClinVar variation 2226761 (VCV002226761.2), dbSNP rs771399440, ClinGen allele CA2339972.